The following is an entry in ClinVar:

NM_030973.4(MED25):c.1048G>A (p.Val350Met)

Gene: MED25 (mediator complex subunit 25; plus strand). Cytogenetic location: 19q13.33.
Variant type: single nucleotide variant.
Coding change: c.1048G>A on transcript NM_030973.4 (MANE Select); coding-DNA position 1048, G replaced by A.
Protein change: p.Val350Met; replaces valine 350 with methionine.
Molecular consequence: missense variant.
Genome position (GRCh38, 1-based): chr19:49,830,834, G>A. VCF-style: chr19-49830834-G-A. GRCh37 (hg19) VCF-style: chr19-50334091-G-A.
Other names: c.1048G>A, p.Val350Met (NM_001378355.1); short protein forms V350M.
Identifiers: ClinVar variation 2414221 (VCV002414221.6), dbSNP rs753252786, ClinGen allele CA9585119.

ClinVar aggregate classification (germline): Uncertain significance (1 of 4 stars; one submission).

Conditions:
Charcot-Marie-Tooth disease type 2. Also called: Charcot-Marie-Tooth type 2. Identifiers: Orphanet 64746, MedGen C0270914, MONDO:0018993.

Allele frequency attached by ClinVar (database versions not stated): ExAC 0.00001; gnomAD exomes 0.00001.
gnomAD v4.1: 3 of 1,612,984 alleles (0.00019%); highest among the groups gnomAD compares: Admixed American, 0.0033%; no homozygotes.

Submission:

Labcorp Genetics (formerly Invitae), Labcorp
Classification: Uncertain significance for Charcot-Marie-Tooth disease type 2. Last evaluated: 2022-05-10. Review status: criteria provided, single submitter. Criteria: Invitae Variant Classification Sherloc (09022015). Collection method: clinical testing. Allele origin: germline.
Comment: In summary, the available evidence is currently insufficient to determine the role of this variant in disease. Therefore, it has been classified as a Variant of Uncertain Significance. Algorithms developed to predict the effect of missense changes on protein structure and function are either unavailable or do not agree on the potential impact of this missense change (SIFT: "Deleterious"; PolyPhen-2: "Benign"; Align-GVGD: "Class C0"). This variant has not been reported in the literature in individuals affected with MED25-related conditions. This variant is present in population databases (rs753252786, gnomAD 0.006%). This sequence change replaces valine, which is neutral and non-polar, with methionine, which is neutral and non-polar, at codon 350 of the MED25 protein (p.Val350Met).